The following is an entry in ClinVar:

ClinVar aggregate classification (germline): Pathogenic (1 of 4 stars; one submission).

Conditions:
Fabry disease. Also called: ALPHA-GALACTOSIDASE A DEFICIENCY; ANDERSON-FABRY DISEASE; CERAMIDE TRIHEXOSIDASE DEFICIENCY; GLA DEFICIENCY; HEREDITARY DYSTOPIC LIPIDOSIS; Angiokeratoma corporis diffusum. Identifiers: Orphanet 324, MedGen C0002986, MONDO:0010526, OMIM 301500, HP:0001071. Disease mechanism: Fabry disease is due to inactivating mutations in the X-linked GLA gene resulting in deficiency of the enzyme Alpha Galactosidase-A., loss of function.

Submission:

Genomenon, Inc
Classification: Pathogenic for Fabry disease. Last evaluated: 2026-09-08. Review status: criteria provided, single submitter. Criteria: Genomenon Sequence Variant Interpretation Standards - Updated. Collection method: curation. Allele origin: germline. Affected: yes.
Comment: GLA p.Gln279SerfsTer3 (c.834del) is a frameshift variant that is predicted to introduce a premature termination codon and result in a truncated or absent protein product. This variant has been observed in at least one proband with clinical features consistent with Fabry disease (PMID:38002959). It is absent or not present at a significant frequency in gnomAD. In conclusion, we classify GLA p.Gln279SerfsTer3 (c.834del) as a pathogenic variant.

Literature cited by the submitters: PubMed 38002959.

NM_000169.3(GLA):c.834del (p.Gln279fs)

Genes: GLA (galactosidase alpha; minus strand), RPL36A-HNRNPH2 (RPL36A-HNRNPH2 readthrough; plus strand). Cytogenetic location: Xq22.1.
Variant type: Deletion.
Coding change: c.834del on transcript NM_000169.3 (MANE Select); coding-DNA position 834, one base deleted (T; older notation c.834delT).
Protein change: p.Gln279fs; shifts the reading frame from glutamine 279.
Molecular consequence: frameshift variant. On other transcripts: non-coding transcript variant (3), intron variant (2).
Genome position (GRCh38, 1-based): chrX:101,398,535, A deleted on the plus strand (T on the coding strand, the reverse complement: GLA is on the minus strand). VCF-style (leftmost placement, unchanged base first): chrX-101398534-GA-G. GRCh37 (hg19) VCF-style: chrX-100653522-GA-G.
Other names: c.957del, p.Gln320fs (NM_001406747.1); c.834del, p.Gln279fs (NM_001406748.1); c.300+3078del (NM_001199973.2); c.177+6713del (NM_001199974.2); short protein forms Q279fs, Q320fs.
Identifiers: ClinVar variation 4087013 (VCV004087013.2), dbSNP rs2147472395.